The following is an entry in ClinVar:

ClinVar aggregate classification (germline): Pathogenic (1 of 4 stars; one submission).

Conditions:
Cohen syndrome (COH1). Also called: Cutis verticis gyrata, retinitis pigmentosa, and sensorineural deafness; PEPPER SYNDROME. Identifiers: Orphanet 193, MedGen C0265223, MONDO:0008999, OMIM 216550.

Submission:

Labcorp Genetics (formerly Invitae), Labcorp
Classification: Pathogenic for Cohen syndrome. Last evaluated: 2023-04-11. Review status: criteria provided, single submitter. Criteria: Invitae Variant Classification Sherloc (09022015). Collection method: clinical testing. Allele origin: unknown.
Comment: For these reasons, this variant has been classified as Pathogenic. This variant has not been reported in the literature in individuals affected with VPS13B-related conditions. This variant is a gross deletion of the genomic region encompassing exon(s) 18-27 of the VPS13B gene. This deletion is out-of-frame, and is expected to create a premature termination codon and result in an absent or disrupted protein product. Loss-of-function variants in VPS13B are known to be pathogenic (PMID: 15141358, 16648375, 20461111).

Literature cited by the submitters: PubMed 15141358; PubMed 16648375; PubMed 20461111.

NC_000008.10:g.(?_100286406)_(100515198_?)del

Gene: VPS13B (vacuolar protein sorting 13 homolog B; plus strand). Cytogenetic location: 8q22.2.
Variant type: Deletion.
Identifiers: ClinVar variation 3245440 (VCV003245440.1).